The following is an entry in ClinVar:

ClinVar aggregate classification (germline): Uncertain significance (1 of 4 stars; one submission).

Allele frequency attached by ClinVar (database versions not stated): 1000 Genomes Project 30x 0.00031; ESP Exome Variant Server 0.00023; gnomAD exomes 0.00031; TOPMed 0.00012; 1000 Genomes Project 0.00020; ExAC 0.00012; gnomAD 0.00013.
gnomAD v4.1: 460 of 1,614,088 alleles (0.028%); highest among the groups gnomAD compares: Non-Finnish European, 0.038%; 1 homozygote.

Submission:

Labcorp Genetics (formerly Invitae), Labcorp
Classification: Uncertain significance. Last evaluated: 2024-02-25. Review status: criteria provided, single submitter. Criteria: Invitae Variant Classification Sherloc (09022015). Collection method: clinical testing. Allele origin: germline.
Comment: This sequence change falls in intron 12 of the ACE gene. It does not directly change the encoded amino acid sequence of the ACE protein. It affects a nucleotide within the consensus splice site. This variant is present in population databases (rs376673428, gnomAD 0.02%). This variant has not been reported in the literature in individuals affected with ACE-related conditions. ClinVar contains an entry for this variant (Variation ID: 2062232). Variants that disrupt the consensus splice site are a relatively common cause of aberrant splicing (PMID: 17576681, 9536098). Algorithms developed to predict the effect of sequence changes on RNA splicing suggest that this variant is not likely to affect RNA splicing. In summary, the available evidence is currently insufficient to determine the role of this variant in disease. Therefore, it has been classified as a Variant of Uncertain Significance.

Literature cited by the submitters: PubMed 17576681; PubMed 9536098.

NM_000789.4(ACE):c.1922-3C>T

Gene: ACE (angiotensin I converting enzyme; plus strand). Cytogenetic location: 17q23.3.
Variant type: single nucleotide variant.
Coding change: c.1922-3C>T on transcript NM_000789.4 (MANE Select); 3 bases into the intron before coding-DNA position 1922, C replaced by T.
Molecular consequence: intron variant.
Genome position (GRCh38, 1-based): chr17:63,485,233, C>T. VCF-style: chr17-63485233-C-T. GRCh37 (hg19) VCF-style: chr17-61562594-C-T.
Other names: c.1070-3C>T (NM_001382701.1); c.1355-3C>T (NM_001382700.1); c.200-3C>T (NM_152830.3, NM_001178057.2); c.-149-3C>T (NM_001382702.1).
Identifiers: ClinVar variation 2062232 (VCV002062232.4), dbSNP rs376673428, ClinGen allele CA8699837.